The following is an entry in ClinVar:

ClinVar aggregate classification (germline): Uncertain significance (1 of 4 stars; one submission).

Allele frequency attached by ClinVar (database versions not stated): gnomAD exomes below 0.00001.
gnomAD v4.1: 1 of 1,614,076 alleles (0.000062%); highest among the groups gnomAD compares: Non-Finnish European, 0.000085%; no homozygotes.

Submission:

Labcorp Genetics (formerly Invitae), Labcorp
Classification: Uncertain significance. Last evaluated: 2022-08-16. Review status: criteria provided, single submitter. Criteria: Invitae Variant Classification Sherloc (09022015). Collection method: clinical testing. Allele origin: germline.
Comment: In summary, the available evidence is currently insufficient to determine the role of this variant in disease. Therefore, it has been classified as a Variant of Uncertain Significance. Algorithms developed to predict the effect of missense changes on protein structure and function (SIFT, PolyPhen-2, Align-GVGD) all suggest that this variant is likely to be tolerated. ClinVar contains an entry for this variant (Variation ID: 1466776). This variant has not been reported in the literature in individuals affected with PRPF3-related conditions. This variant is not present in population databases (gnomAD no frequency). This sequence change replaces threonine, which is neutral and polar, with isoleucine, which is neutral and non-polar, at codon 275 of the PRPF3 protein (p.Thr275Ile).

NM_004698.4(PRPF3):c.824C>T (p.Thr275Ile)

Gene: PRPF3 (pre-mRNA processing factor 3; plus strand). Cytogenetic location: 1q21.2.
Variant type: single nucleotide variant.
Coding change: c.824C>T on transcript NM_004698.4 (MANE Select); coding-DNA position 824, C replaced by T.
Protein change: p.Thr275Ile; replaces threonine 275 with isoleucine.
Molecular consequence: missense variant. On other transcripts: non-coding transcript variant (4).
Genome position (GRCh38, 1-based): chr1:150,335,030, C>T. VCF-style: chr1-150335030-C-T. GRCh37 (hg19) VCF-style: chr1-150307501-C-T.
Other names: c.419C>T, p.Thr140Ile (NM_001350529.1); short protein forms T275I, T140I.
Identifiers: ClinVar variation 1466776 (VCV001466776.6), dbSNP rs2101978349, ClinGen allele CA342294096.